The following is an entry in ClinVar:

NM_001145809.2(MYH14):c.5276G>A (p.Arg1759His)

Gene: MYH14 (myosin heavy chain 14; plus strand). Cytogenetic location: 19q13.33.
Variant type: single nucleotide variant.
Coding change: c.5276G>A on transcript NM_001145809.2 (MANE Select); coding-DNA position 5276, G replaced by A.
Protein change: p.Arg1759His; replaces arginine 1759 with histidine.
Molecular consequence: missense variant.
Genome position (GRCh38, 1-based): chr19:50,293,252, G>A. VCF-style: chr19-50293252-G-A. GRCh37 (hg19) VCF-style: chr19-50796509-G-A.
Other names: c.5177G>A, p.Arg1726His (NM_001077186.2); c.5153G>A, p.Arg1718His (NM_024729.4); short protein forms R1718H, R1726H, R1759H.
Identifiers: ClinVar variation 2428782 (VCV002428782.6), dbSNP rs1291084442, ClinGen allele CA406962867.

ClinVar aggregate classification (germline): Uncertain significance. Review status: criteria provided, multiple submitters, no conflicts (2 of 4 stars). 2 submissions from 2 submitters: Uncertain significance (2). Last evaluated 2024-11-21.

Allele frequency attached by ClinVar (database versions not stated): TOPMed below 0.00001.
gnomAD v4.1: 7 of 1,608,176 alleles (0.00044%); highest among the groups gnomAD compares: Admixed American, 0.0034%; no homozygotes.

Submissions (2):

Labcorp Genetics (formerly Invitae), Labcorp
Classification: Uncertain significance. Last evaluated: 2024-11-21. Review status: criteria provided, single submitter. Criteria: Invitae Variant Classification Sherloc (09022015). Collection method: clinical testing. Allele origin: germline.
Comment: This sequence change replaces arginine, which is basic and polar, with histidine, which is basic and polar, at codon 1718 of the MYH14 protein (p.Arg1718His). The frequency data for this variant in the population databases is considered unreliable, as metrics indicate poor data quality at this position in the gnomAD database. This variant has not been reported in the literature in individuals affected with MYH14-related conditions. ClinVar contains an entry for this variant (Variation ID: 2428782). Invitae Evidence Modeling of protein sequence and biophysical properties (such as structural, functional, and spatial information, amino acid conservation, physicochemical variation, residue mobility, and thermodynamic stability) indicates that this missense variant is expected to disrupt MYH14 protein function with a positive predictive value of 80%. In summary, the available evidence is currently insufficient to determine the role of this variant in disease. Therefore, it has been classified as a Variant of Uncertain Significance.

GeneDx
Classification: Uncertain significance. Last evaluated: 2022-07-29. Review status: criteria provided, single submitter. Criteria: GeneDx Variant Classification Process June 2021. Collection method: clinical testing. Allele origin: germline. Affected: yes.
Comment: In silico analysis supports that this missense variant has a deleterious effect on protein structure/function; Has not been previously published as pathogenic or benign to our knowledge